The following is an entry in ClinVar:

ClinVar aggregate classification (germline): Conflicting classifications of pathogenicity. Review status: criteria provided, conflicting classifications (1 of 4 stars). 4 submissions from 4 submitters: Uncertain significance (2); Likely benign (2). Last evaluated 2025-08-26.

Conditions:
COL4A6-related disorder. Also called: COL4A6-related condition.

Allele frequency attached by ClinVar (database versions not stated): TOPMed below 0.00001; ExAC 0.00002; gnomAD exomes 0.00002.
gnomAD v4.1: 21 of 1,198,662 alleles (0.0018%); highest among the groups gnomAD compares: Admixed American, 0.0045%; no homozygotes.

Submissions (4):

PreventionGenetics, part of Exact Sciences
Classification: Likely benign for COL4A6-related condition. Last evaluated: 2025-08-26. Review status: criteria provided, single submitter. Criteria: ACMG Guidelines, 2015. Collection method: clinical testing. Allele origin: germline.
Comment: This variant is classified as likely benign based on ACMG/AMP sequence variant interpretation guidelines (Richards et al. 2015 PMID: 25741868, with internal and published modifications).

Labcorp Genetics (formerly Invitae), Labcorp
Classification: Uncertain significance. Last evaluated: 2024-03-18. Review status: criteria provided, single submitter. Criteria: Invitae Variant Classification Sherloc (09022015). Collection method: clinical testing. Allele origin: germline.
Comment: This sequence change replaces asparagine, which is neutral and polar, with serine, which is neutral and polar, at codon 980 of the COL4A6 protein (p.Asn980Ser). This variant is present in population databases (rs756303853, gnomAD 0.01%). This variant has not been reported in the literature in individuals affected with COL4A6-related conditions. ClinVar contains an entry for this variant (Variation ID: 1317837). Advanced modeling of protein sequence and biophysical properties (such as structural, functional, and spatial information, amino acid conservation, physicochemical variation, residue mobility, and thermodynamic stability) performed at Invitae indicates that this missense variant is not expected to disrupt COL4A6 protein function with a negative predictive value of 80%. In summary, the available evidence is currently insufficient to determine the role of this variant in disease. Therefore, it has been classified as a Variant of Uncertain Significance.

Ambry Genetics
Classification: Uncertain significance. Last evaluated: 2023-12-08. Review status: criteria provided, single submitter. Criteria: Ambry Variant Classification Scheme 2023. Collection method: clinical testing. Allele origin: germline.

GeneDx
Classification: Likely benign. Last evaluated: 2019-01-11. Review status: criteria provided, single submitter. Criteria: GeneDx Variant Classification Process June 2021. Collection method: clinical testing. Allele origin: germline. Affected: yes.

NM_033641.4(COL4A6):c.2936A>G (p.Asn979Ser)

Gene: COL4A6 (collagen type IV alpha 6 chain; minus strand). Cytogenetic location: Xq22.3.
Variant type: single nucleotide variant.
Coding change: c.2936A>G on transcript NM_033641.4 (MANE Select); coding-DNA position 2936, A replaced by G.
Protein change: p.Asn979Ser; replaces asparagine 979 with serine.
Molecular consequence: missense variant.
Genome position (GRCh38, 1-based): chrX:108,175,110, T>C on the plus strand (A>G on the coding strand, the complement: COL4A6 is on the minus strand). VCF-style: chrX-108175110-T-C. GRCh37 (hg19) VCF-style: chrX-107418340-T-C.
Other names: c.2939A>G (NM_001847.3, NM_001847.2); c.2987A>G, p.Asn996Ser (NM_001287758.2); c.2936A>G, p.Asn979Ser (NM_001287759.2, NM_001287760.2); c.2939A>G, p.Asn980Ser (NM_001847.4); short protein forms N979S, N980S, N996S.
Identifiers: ClinVar variation 1317837 (VCV001317837.8), dbSNP rs756303853, ClinGen allele CA10487538.